The following is an entry in ClinVar:

ClinVar aggregate classification (germline): Uncertain significance (1 of 4 stars; one submission).

Conditions:
Multiple endocrine neoplasia, type 2 (MEN2). Identifiers: Orphanet 653, MedGen C4048306, MONDO:0019003. Disease mechanism: gain of function.

Submission:

Labcorp Genetics (formerly Invitae), Labcorp
Classification: Uncertain significance for Multiple endocrine neoplasia, type 2. Last evaluated: 2025-12-23. Review status: criteria provided, single submitter. Criteria: Invitae Variant Classification Sherloc (09022015). Collection method: clinical testing. Allele origin: germline.
Comment: This sequence change replaces glutamic acid, which is acidic and polar, with aspartic acid, which is acidic and polar, at codon 527 of the RET protein (p.Glu527Asp). This variant is not present in population databases (gnomAD no frequency). This variant has not been reported in the literature in individuals affected with RET-related conditions. ClinVar contains an entry for this variant (Variation ID: 1496599). An algorithm developed to predict the effect of missense changes on protein structure and function (PolyPhen-2) suggests that this variant is likely to be tolerated. In summary, the available evidence is currently insufficient to determine the role of this variant in disease. Therefore, it has been classified as a Variant of Uncertain Significance.

NM_020975.6(RET):c.1581G>C (p.Glu527Asp)

Gene: RET (ret proto-oncogene; plus strand). Cytogenetic location: 10q11.21.
Variant type: single nucleotide variant.
Coding change: c.1581G>C on transcript NM_020975.6 (MANE Select); coding-DNA position 1581, G replaced by C.
Protein change: p.Glu527Asp; replaces glutamic acid 527 with aspartic acid.
Molecular consequence: missense variant.
Genome position (GRCh38, 1-based): chr10:43,112,157, G>C. VCF-style: chr10-43112157-G-C. GRCh37 (hg19) VCF-style: chr10-43607605-G-C.
Other names: c.1581G>C, p.Glu527Asp (NM_000323.2, NM_001406743.1, NM_001406744.1 and 6 more transcripts); c.819G>C, p.Glu273Asp (NM_001355216.2); c.1452G>C, p.Glu484Asp (NM_001406761.1, NM_001406762.1, NM_001406764.1 and 1 more transcripts); c.1293G>C, p.Glu431Asp (NM_001406766.1, NM_001406767.1, NM_001406770.1); c.1185G>C, p.Glu395Asp (NM_001406769.1, NM_001406772.1); c.1143G>C, p.Glu381Asp (NM_001406771.1, NM_001406773.1); c.1056G>C, p.Glu352Asp (NM_001406774.1); c.855G>C, p.Glu285Asp (NM_001406775.1, NM_001406776.1, NM_001406777.1 and 1 more transcripts); and 5 more; short protein forms E527D, E273D, E132D, E228D, E381D, E395D, E352D, E431D.
Identifiers: ClinVar variation 1496599 (VCV001496599.9), dbSNP rs2132799116, ClinGen allele CA376550488.